The following is an entry in ClinVar:

ClinVar aggregate classification (germline): Uncertain significance (1 of 4 stars; one submission).

Conditions:
Dextro-looped transposition of the great arteries. Also called: Dextrotransposition of the great arteries. Identifiers: Orphanet 860, MedGen C3531771, MONDO:0019443, OMIM 608808, HP:0031348.

Allele frequency attached by ClinVar (database versions not stated): gnomAD exomes 0.00001; ExAC 0.00002.
gnomAD v4.1: 12 of 1,613,744 alleles (0.00074%); highest among the groups gnomAD compares: South Asian, 0.0011%; no homozygotes.

Submission:

Labcorp Genetics (formerly Invitae), Labcorp
Classification: Uncertain significance for Dextro-looped transposition of the great arteries. Last evaluated: 2023-06-22. Review status: criteria provided, single submitter. Criteria: Invitae Variant Classification Sherloc (09022015). Collection method: clinical testing. Allele origin: germline.
Comment: In summary, the available evidence is currently insufficient to determine the role of this variant in disease. Therefore, it has been classified as a Variant of Uncertain Significance. Advanced modeling of protein sequence and biophysical properties (such as structural, functional, and spatial information, amino acid conservation, physicochemical variation, residue mobility, and thermodynamic stability) performed at Invitae indicates that this missense variant is expected to disrupt MED13L protein function. ClinVar contains an entry for this variant (Variation ID: 1494217). This variant has not been reported in the literature in individuals affected with MED13L-related conditions. This variant is present in population databases (rs775785751, gnomAD 0.003%). This sequence change replaces alanine, which is neutral and non-polar, with valine, which is neutral and non-polar, at codon 1503 of the MED13L protein (p.Ala1503Val).

NM_015335.5(MED13L):c.4508C>T (p.Ala1503Val)

Gene: MED13L (mediator complex subunit 13L; minus strand). Cytogenetic location: 12q24.21.
Variant type: single nucleotide variant.
Coding change: c.4508C>T on transcript NM_015335.5 (MANE Select); coding-DNA position 4508, C replaced by T.
Protein change: p.Ala1503Val; replaces alanine 1503 with valine.
Molecular consequence: missense variant.
Genome position (GRCh38, 1-based): chr12:115,984,203, G>A on the plus strand (C>T on the coding strand, the complement: MED13L is on the minus strand). VCF-style: chr12-115984203-G-A. GRCh37 (hg19) VCF-style: chr12-116422008-G-A.
Other names: short protein forms A1503V.
Identifiers: ClinVar variation 1494217 (VCV001494217.8), dbSNP rs775785751, ClinGen allele CA6810787.